The following is an entry in ClinVar:

NM_001037.5(SCN1B):c.448+266G>A

Gene: SCN1B (sodium voltage-gated channel beta subunit 1; plus strand). Cytogenetic location: 19q13.11.
Variant type: single nucleotide variant.
Coding change: c.448+266G>A on transcript NM_001037.5 (MANE Select); 266 bases into the intron after coding-DNA position 448, G replaced by A.
Molecular consequence: intron variant. On other transcripts: missense variant (1).
Genome position (GRCh38, 1-based): chr19:35,034,005, G>A. VCF-style: chr19-35034005-G-A. GRCh37 (hg19) VCF-style: chr19-35524909-G-A.
Other names: c.714G>A, p.Met238Ile (NM_199037.5); c.349+266G>A (NM_001321605.2); short protein forms M238I.
Identifiers: ClinVar variation 1472373 (VCV001472373.6), dbSNP rs2151746678, ClinGen allele CA405329701.
Genomic context (GRCh38, chr19:35,034,005, plus strand): 5'-CATGCCTGTCCCCCACAGACGCTCCGGGTACAGAACCCAGCTCTGTCACCTGTGCTGTAT[G>A]ACCTCTGGCAGGTGCCTTCTGTCTCTGAGCCAAAGGGTTGTCCTGGGCTTGCCCGGGATA-3'

ClinVar aggregate classification (germline): Uncertain significance (1 of 4 stars; one submission).

Conditions:
Brugada syndrome 5 (BRGDA5). Identifiers: Orphanet 130, Orphanet 871, MedGen C2748541, MONDO:0013015, OMIM 612838.

gnomAD v4.1: 1 of 1,549,434 alleles (0.000065%); highest among the groups gnomAD compares: African/African-American, 0.0014%; no homozygotes.

Submission:

Labcorp Genetics (formerly Invitae), Labcorp
Classification: Uncertain significance for Brugada syndrome 5. Last evaluated: 2022-11-15. Review status: criteria provided, single submitter. Criteria: Invitae Variant Classification Sherloc (09022015). Collection method: clinical testing. Allele origin: germline.
Comment: This variant has not been reported in the literature in individuals affected with SCN1B-related conditions. In summary, the available evidence is currently insufficient to determine the role of this variant in disease. Therefore, it has been classified as a Variant of Uncertain Significance. Algorithms developed to predict the effect of missense changes on protein structure and function are either unavailable or do not agree on the potential impact of this missense change (SIFT: "Deleterious"; PolyPhen-2: "Benign"; Align-GVGD: "Class C0"). ClinVar contains an entry for this variant (Variation ID: 1472373). This variant is not present in population databases (gnomAD no frequency). This sequence change replaces methionine, which is neutral and non-polar, with isoleucine, which is neutral and non-polar, at codon 238 of the SCN1B protein (p.Met238Ile).